The following is an entry in ClinVar:

ClinVar aggregate classification (germline): Uncertain significance (1 of 4 stars; one submission).

Submission:

GeneDx
Classification: Uncertain significance. Last evaluated: 2026-01-23. Review status: criteria provided, single submitter. Criteria: GeneDx Variant Classification Process June 2021. Collection method: clinical testing. Allele origin: germline.
Comment: Not observed at significant frequency in large population cohorts (gnomAD); In silico analysis supports that this missense variant has a deleterious effect on protein structure/function; Has not been previously published as pathogenic or benign to our knowledge

NM_024721.5(ZFHX4):c.7972G>C (p.Ala2658Pro)

Gene: ZFHX4 (zinc finger homeobox 4; plus strand). Cytogenetic location: 8q21.13.
Variant type: single nucleotide variant.
Coding change: c.7972G>C on transcript NM_024721.5 (MANE Select); coding-DNA position 7972, G replaced by C.
Protein change: p.Ala2658Pro; replaces alanine 2658 with proline.
Molecular consequence: missense variant.
Genome position (GRCh38, 1-based): chr8:76,854,893, G>C. VCF-style: chr8-76854893-G-C. GRCh37 (hg19) VCF-style: chr8-77767129-G-C.
Other names: c.7894G>C, p.Ala2632Pro (NM_001410934.1); short protein forms A2632P, A2658P.
Identifiers: ClinVar variation 4975582 (VCV004975582.1).
Genomic context (GRCh38, chr8:76,854,893, plus strand): 5'-ATTGCCCGCGAAGTCGGGCTGAAAAAAAGGGTCGTGCAAGTCTGGTTCCAGAATACACGA[G>C]CGCGGGAGAGGAAAGGCCAGTTCCGGGCGGTGGGTCCAGCACAGTCTCATAAACGGTGTC-3'
Protein context (NP_078997.4, residues 2648-2668): VVQVWFQNTR[Ala2658Pro]RERKGQFRAV